The following is an entry in ClinVar:

ClinVar aggregate classification (germline): Uncertain significance (1 of 4 stars; one submission).

Conditions:
Juvenile polyposis syndrome (JPS). Identifiers: Orphanet 2929, MedGen C0345893, MONDO:0017380, OMIM 174900.

Submission:

Labcorp Genetics (formerly Invitae), Labcorp
Classification: Uncertain significance for Juvenile polyposis syndrome. Last evaluated: 2021-01-20. Review status: criteria provided, single submitter. Criteria: Invitae Variant Classification Sherloc (09022015). Collection method: clinical testing. Allele origin: germline.
Comment: This sequence change replaces asparagine with threonine at codon 25 of the BMPR1A protein (p.Asn25Thr). The asparagine residue is moderately conserved and there is a small physicochemical difference between asparagine and threonine. This variant is not present in population databases (ExAC no frequency). This variant has not been reported in the literature in individuals with BMPR1A-related conditions. Advanced modeling of protein sequence and biophysical properties (such as structural, functional, and spatial information, amino acid conservation, physicochemical variation, residue mobility, and thermodynamic stability) performed at Invitae indicates that this missense variant is not expected to disrupt BMPR1A protein function. In summary, the available evidence is currently insufficient to determine the role of this variant in disease. Therefore, it has been classified as a Variant of Uncertain Significance.

NM_004329.3(BMPR1A):c.74A>C (p.Asn25Thr)

Gene: BMPR1A (bone morphogenetic protein receptor type 1A; plus strand). Cytogenetic location: 10q23.2.
Variant type: single nucleotide variant.
Coding change: c.74A>C on transcript NM_004329.3 (MANE Select); coding-DNA position 74, A replaced by C.
Protein change: p.Asn25Thr; replaces asparagine 25 with threonine.
Molecular consequence: missense variant.
Genome position (GRCh38, 1-based): chr10:86,890,068, A>C. VCF-style: chr10-86890068-A-C. GRCh37 (hg19) VCF-style: chr10-88649825-A-C.
Other names: short protein forms N25T.
Identifiers: ClinVar variation 1478755 (VCV001478755.8), dbSNP rs1060503410, ClinGen allele CA377446231.
Genomic context (GRCh38, chr10:86,890,068, plus strand): 5'-AAACAATGAGCTTTTCAGAAATGATTTACTTACAAATTCCATATTTGAATGCAGGACAGA[A>C]TCTGGATAGTATGCTTCATGGCACTGGGATGAAATCAGACTCCGACCAGAAAAAGTCAGA-3'
Protein context (NP_004320.2, residues 15-35): LFIISRVQGQ[Asn25Thr]LDSMLHGTGM